The following is an entry in ClinVar:

NM_006361.6(HOXB13):c.405A>T (p.Gly135=)

Gene: HOXB13 (homeobox B13; minus strand). Cytogenetic location: 17q21.32.
Variant type: single nucleotide variant.
Coding change: c.405A>T on transcript NM_006361.6 (MANE Select); coding-DNA position 405, A replaced by T.
Protein change: p.Gly135=; no amino-acid change (glycine 135 retained).
Molecular consequence: synonymous variant.
Genome position (GRCh38, 1-based): chr17:48,728,189, T>A on the plus strand (A>T on the coding strand, the complement: HOXB13 is on the minus strand). VCF-style: chr17-48728189-T-A. GRCh37 (hg19) VCF-style: chr17-46805551-T-A.
Identifiers: ClinVar variation 3773422 (VCV003773422.1).

ClinVar aggregate classification (germline): Benign (1 of 4 stars; one submission).

Conditions:
Prostate cancer, hereditary, 9 (HPC9). Identifiers: Orphanet 1331, MedGen C1970250, MONDO:0012597, OMIM 610997.

Submission:

Myriad Genetics, Inc.
Classification: Benign for Prostate cancer, hereditary, 9. Last evaluated: 2024-10-29. Review status: criteria provided, single submitter. Criteria: Myriad Autosomal Dominant, Autosomal Recessive and X-Linked Classification Criteria (2023). Collection method: clinical testing. Allele origin: unknown.
Comment: This variant is considered benign. This variant is a silent/synonymous amino acid change and it is not expected to impact splicing.